The following is an entry in ClinVar:

ClinVar aggregate classification (germline): Uncertain significance. Review status: criteria provided, single submitter (1 of 4 stars). 3 submissions from 3 submitters: Uncertain significance (1). 2 of the submissions do not count toward it. Last evaluated 2025-08-28.

Conditions:
Nephrolithiasis/nephrocalcinosis. Identifiers: MedGen CN580796.
Primary hyperoxaluria, type II (HP2). Also called: Primary hyperoxaluria type 2; D-GLYCERATE DEHYDROGENASE DEFICIENCY; GLYCERIC ACIDURIA; GLYOXYLATE REDUCTASE/HYDROXYPYRUVATE REDUCTASE DEFICIENCY; OXALOSIS II. Identifiers: Orphanet 416, Orphanet 93599, MedGen C0268165, MONDO:0009824, OMIM 260000. Disease mechanism: loss of function.

Allele frequency attached by ClinVar (database versions not stated): TOPMed below 0.00001; gnomAD exomes 0.00003 and 0.00006; ExAC 0.00012.

Submissions (3):

Ambry Genetics
Classification: Uncertain significance for Nephrolithiasis/nephrocalcinosis. Last evaluated: 2025-08-28. Review status: criteria provided, single submitter. Criteria: Ambry Variant Classification Scheme 2023. Collection method: clinical testing. Allele origin: germline.

Natera, Inc.
Classification: Benign for Primary hyperoxaluria type II. Last evaluated: 2020-10-09. Review status: no assertion criteria provided. Collection method: clinical testing. Allele origin: germline. Not counted in ClinVar's aggregate classification.

Department of Pathology and Laboratory Medicine, Sinai Health System
Classification: Uncertain significance. Review status: no assertion criteria provided. Collection method: clinical testing. Allele origin: unknown. Affected: yes. Study: The Canadian Open Genetics Repository (COGR). Not counted in ClinVar's aggregate classification.
Comment: The GRHPR p.T12A variant was not identified in the literature nor was it identified in ClinVar. The variant was identified in dbSNP (ID: rs761847384) and in control databases in 14 of 222536 chromosomes (1 homozygous) at a frequency of 0.00006291, and was only observed in the South Asian population in 14 of 28138 Â¬â€ chromosomes (freq: 0.0004975) (Genome Aggregation Database March 6, 2019, v2.1.1). The p.T12 residue is conserved in mammals and computational analyses (MUT Assesor, PolyPhen-2, SIFT, MutationTaster, Revel, FATHMM, MetaLR, DANN) suggest that the variant may impact the protein; however this information is not predictive enough to assume pathogenicity. The variant occurs outside of the splicing consensus sequence and in silico or computational prediction software programs (Splice AI exome) do not predict a deleterious effect on splicing. In summary, based on the above information the clinical significance of this variant cannot be determined with certainty at this time. This variant is classified as a variant of uncertain significance.

NM_012203.2(GRHPR):c.34A>G (p.Thr12Ala)

Gene: GRHPR (glyoxylate and hydroxypyruvate reductase; plus strand). Cytogenetic location: 9p13.2.
Variant type: single nucleotide variant.
Coding change: c.34A>G on transcript NM_012203.2 (MANE Select); coding-DNA position 34, A replaced by G.
Protein change: p.Thr12Ala; replaces threonine 12 with alanine.
Molecular consequence: missense variant.
Genome position (GRCh38, 1-based): chr9:37,422,784, A>G. VCF-style: chr9-37422784-A-G. GRCh37 (hg19) VCF-style: chr9-37422781-A-G.
Other names: c.34A>G (NM_012203.1); short protein forms T12A.
Identifiers: ClinVar variation 991669 (VCV000991669.3), dbSNP rs761847384, ClinGen allele CA5058890.
Genomic context (GRCh38, chr9:37,422,784, plus strand): 5'-AGGTCCGGGTCGGCGGCTGCACTGCGGATGAGACCGGTGCGACTCATGAAGGTGTTCGTC[A>G]CCCGCAGGATACCCGCCGAGGGTAGGGTCGCGCTCGCCCGGGCGGCAGAGTAAGAGCCTC-3'
Protein context (NP_036335.1, residues 2-22): RPVRLMKVFV[Thr12Ala]RRIPAEGRVA